The following is an entry in ClinVar:

ClinVar aggregate classification (germline): Likely pathogenic. Review status: criteria provided, multiple submitters, no conflicts (2 of 4 stars). 2 submissions from 2 submitters: Likely pathogenic (2). Last evaluated 2024-07-10.

Conditions:
Primary ciliary dyskinesia. Also called: Ciliary dyskinesia. Identifiers: Orphanet 244, MedGen C0008780, MONDO:0016575, HP:0012265.
Primary ciliary dyskinesia 3. Identifiers: Orphanet 244, MedGen C1837618, MONDO:0012085, OMIM 608644.

Submissions (2):

Natera, Inc.
Classification: Likely pathogenic for Primary ciliary dyskinesia. Last evaluated: 2024-07-10. Review status: criteria provided, single submitter. Criteria: Natera Variant Classification Schema (03/2026). Collection method: clinical testing. Allele origin: germline.
Comment: The c.3396+1G>A variant in DNAH5 is a canonical splice donor site variant predicted to affect pre-mRNA splicing, which may result in an abnormal transcript and altered protein product. This variant is expected to result in nonsense mediated decay, truncation, or a dysfunctional protein product. This variant is rare in the general population with a frequency below the threshold expected for the associated phenotype(s). Given the available evidence, this variant is classified as Likely Pathogenic.

Fulgent Genetics
Classification: Likely pathogenic for Primary ciliary dyskinesia 3. Last evaluated: 2024-05-18. Review status: criteria provided, single submitter. Criteria: ACMG Guidelines, 2015. Collection method: clinical testing. Allele origin: germline.

NM_001369.3(DNAH5):c.3396+1G>A

Genes: DNAH5 (dynein axonemal heavy chain 5; minus strand), DNAH5-AS1 (DNAH5 antisense RNA 1; plus strand). Cytogenetic location: 5p15.2.
Variant type: single nucleotide variant.
Coding change: c.3396+1G>A on transcript NM_001369.3 (MANE Select); the canonical splice donor site of the intron after coding-DNA position 3396, G replaced by A.
Molecular consequence: splice donor variant.
Genome position (GRCh38, 1-based): chr5:13,876,683, C>T on the plus strand (G>A on the coding strand, the complement: DNAH5 is on the minus strand). VCF-style: chr5-13876683-C-T. GRCh37 (hg19) VCF-style: chr5-13876792-C-T.
Other names: c.3396+1G>A (NM_001369.2).
Identifiers: ClinVar variation 3591786 (VCV003591786.2).